The following is an entry in ClinVar:

ClinVar aggregate classification (germline): Likely benign (1 of 4 stars; one submission).

Conditions:
DICER1-related tumor predisposition. Also called: DICER1-related pleuropulmonary blastoma cancer predisposition syndrome; DICER1 syndrome. Identifiers: Orphanet 284343, MedGen C3839822, MONDO:0100216.

Submission:

Myriad Genetics, Inc.
Classification: Likely benign for DICER1-related tumor predisposition. Last evaluated: 2026-04-13. Review status: criteria provided, single submitter. Criteria: Myriad Autosomal Dominant, Autosomal Recessive and X-Linked Classification Criteria (2023). Collection method: clinical testing. Allele origin: unknown.
Comment: This variant is considered likely benign. This variant is intronic and is not expected to impact mRNA splicing.

NM_177438.3(DICER1):c.4050+8_4050+9delinsCA

Gene: DICER1 (dicer 1, ribonuclease III; minus strand). Cytogenetic location: 14q32.13.
Variant type: Indel.
Coding change: c.4050+8_4050+9delinsCA on transcript NM_177438.3 (MANE Select); bases 8 to 9 of the intron after coding-DNA position 4050, AT replaced by CA.
Molecular consequence: intron variant.
Genome position (GRCh38, 1-based): chr14:95,103,337-95,103,338, AT replaced by TG on the plus strand (AT replaced by CA on the coding strand, the reverse complement: DICER1 is on the minus strand). VCF-style: chr14-95103337-AT-TG. GRCh37 (hg19) VCF-style: chr14-95569674-AT-TG.
Other names: c.4050+8_4050+9delinsCA (NM_001291628.2, NM_030621.4, NM_001395677.1 and 12 more transcripts); c.3645+8_3645+9delinsCA (NM_001395690.1, NM_001395687.1, NM_001395689.1 and 2 more transcripts); c.3768+8_3768+9delinsCA (NM_001395686.1); c.3483+8_3483+9delinsCA (NM_001395691.1); c.2367+8_2367+9delinsCA (NM_001395697.1).
Identifiers: ClinVar variation 4875855 (VCV004875855.1).